The following is an entry in ClinVar:

NM_001160331.2(NFASC):c.2586C>T (p.Ser862=)

Gene: NFASC (neurofascin; plus strand). Cytogenetic location: 1q32.1.
Variant type: single nucleotide variant.
Coding change: c.2586C>T on transcript NM_001160331.2 (MANE Plus Clinical); coding-DNA position 2586, C replaced by T.
Protein change: p.Ser862=; no amino-acid change (serine 862 retained).
Molecular consequence: synonymous variant. On other transcripts: intron variant (2).
Genome position (GRCh38, 1-based): chr1:204,984,109, C>T. VCF-style: chr1-204984109-C-T. GRCh37 (hg19) VCF-style: chr1-204953237-C-T.
Other names: c.2541C>T, p.Ser847= (NM_001160332.2, NM_015090.4); c.2553C>T, p.Ser851= (NM_001378329.1); c.2470+2089C>T (NM_001005388.3); c.2458+2089C>T (NM_001365986.1).
Identifiers: ClinVar variation 2639841 (VCV002639841.24), dbSNP rs370114778, ClinGen allele CA1350305.

ClinVar aggregate classification (germline): Likely benign (1 of 4 stars; one submission).

Allele frequency attached by ClinVar (database versions not stated): 1000 Genomes Project 30x 0.00016; 1000 Genomes Project 0.00020; ESP Exome Variant Server 0.00023; gnomAD 0.00003; ExAC 0.00007.
gnomAD v4.1: 138 of 1,613,882 alleles (0.0086%); highest among the groups gnomAD compares: Middle Eastern, 0.016%; no homozygotes.

Submission:

CeGaT Center for Human Genetics Tuebingen
Classification: Likely benign. Last evaluated: 2023-01-01. Review status: criteria provided, single submitter. Criteria: CeGaT Center For Human Genetics Tuebingen Variant Classification Criteria Version 2. Collection method: clinical testing. Allele origin: germline. Affected: yes. Observed: 2 variant alleles.
Comment: NFASC: BP4, BP7